The following is an entry in ClinVar:

ClinVar aggregate classification (germline): Uncertain significance (1 of 4 stars; one submission).

Submission:

Ambry Genetics
Classification: Uncertain significance. Last evaluated: 2025-10-05. Review status: criteria provided, single submitter. Criteria: Ambry Variant Classification Scheme 2023. Collection method: clinical testing. Allele origin: germline.
Comment: The p.S778R variant (also known as c.2334C>A), located in coding exon 13 of the PKP4 gene, results from a C to A substitution at nucleotide position 2334. The serine at codon 778 is replaced by arginine, an amino acid with dissimilar properties. This amino acid position is conserved. In addition, this alteration is predicted to be deleterious by in silico analysis. Based on the available evidence, the clinical significance of this variant remains unclear.

NM_003628.6(PKP4):c.2334C>A (p.Ser778Arg)

Genes: PKP4 (plakophilin 4; plus strand), PKP4-AS1 (PKP4 antisense RNA 1; minus strand). Cytogenetic location: 2q24.1.
Variant type: single nucleotide variant.
Coding change: c.2334C>A on transcript NM_003628.6 (MANE Select); coding-DNA position 2334, C replaced by A.
Protein change: p.Ser778Arg; replaces serine 778 with arginine.
Molecular consequence: missense variant.
Genome position (GRCh38, 1-based): chr2:158,663,019, C>A. VCF-style: chr2-158663019-C-A. GRCh37 (hg19) VCF-style: chr2-159519531-C-A.
Other names: c.2334C>A, p.Ser778Arg (NM_001005476.4, NM_001304971.2, NM_001377218.1 and 1 more transcripts); c.2331C>A, p.Ser777Arg (NM_001304969.3, NM_001377219.1, NM_001377220.1 and 2 more transcripts); c.1305C>A, p.Ser435Arg (NM_001304970.3); c.2328C>A, p.Ser776Arg (NM_001377222.1, NM_001377223.1); c.2325C>A, p.Ser775Arg (NM_001377224.1); short protein forms S775R, S777R, S435R, S778R, S776R.
Identifiers: ClinVar variation 4568593 (VCV004568593.1).